The following is an entry in ClinVar:

NM_000368.5(TSC1):c.3035C>G (p.Ser1012Cys)

Gene: TSC1 (TSC complex subunit 1; minus strand). Cytogenetic location: 9q34.13.
Variant type: single nucleotide variant.
Coding change: c.3035C>G on transcript NM_000368.5 (MANE Select); coding-DNA position 3035, C replaced by G.
Protein change: p.Ser1012Cys; replaces serine 1012 with cysteine.
Molecular consequence: missense variant. On other transcripts: non-coding transcript variant (5).
Genome position (GRCh38, 1-based): chr9:132,896,695, G>C on the plus strand (C>G on the coding strand, the complement: TSC1 is on the minus strand). VCF-style: chr9-132896695-G-C. GRCh37 (hg19) VCF-style: chr9-135772082-G-C.
Other names: c.3032C>G, p.Ser1011Cys (NM_001162426.2, NM_001406597.1, NM_001406598.1 and 2 more transcripts); c.2882C>G, p.Ser961Cys (NM_001162427.2, NM_001406610.1); c.2672C>G, p.Ser891Cys (NM_001362177.2, NM_001406614.1, NM_001406615.1 and 4 more transcripts); c.3035C>G, p.Ser1012Cys (NM_001406592.1, NM_001406593.1, NM_001406594.1 and 2 more transcripts); c.3020C>G, p.Ser1007Cys (NM_001406601.1, NM_001406602.1); c.3017C>G, p.Ser1006Cys (NM_001406603.1, NM_001406604.1); c.2993C>G, p.Ser998Cys (NM_001406605.1, NM_001406606.1, NM_001406607.1); c.2990C>G, p.Ser997Cys (NM_001406608.1, NM_001406609.1); and 8 more; short protein forms S1006C, S1007C, S1011C, S1012C, S661C, S694C, S695C, S876C.
Identifiers: ClinVar variation 2579930 (VCV002579930.3), dbSNP rs1845085132, ClinGen allele CA375367786.

ClinVar aggregate classification (germline): Uncertain significance. Review status: criteria provided, multiple submitters, no conflicts (2 of 4 stars). 3 submissions from 3 submitters: Uncertain significance (3). Last evaluated 2026-07-06.

Conditions:
Tuberous sclerosis 1 (TSC1). Identifiers: Orphanet 805, MedGen C1854465, MONDO:0008612, OMIM 191100.
Hereditary cancer-predisposing syndrome. Also called: Hereditary neoplastic syndrome; Hereditary Cancer Syndrome; Neoplastic Syndromes, Hereditary; Tumor predisposition. Identifiers: Orphanet 140162, MedGen C0027672, MeSH D009386, MONDO:0015356.

Allele frequency attached by ClinVar (database versions not stated): gnomAD exomes below 0.00001.
gnomAD v4.1: 1 of 1,614,044 alleles (0.000062%); highest among the groups gnomAD compares: East Asian, 0.0022%; no homozygotes.

Submissions (3):

Ambry Genetics
Classification: Uncertain significance for Hereditary cancer-predisposing syndrome. Last evaluated: 2026-07-06. Review status: criteria provided, single submitter. Criteria: Ambry Variant Classification Scheme 2023. Collection method: clinical testing. Allele origin: germline.
Comment: The p.S1012C variant (also known as c.3035C>G), located in coding exon 21 of the TSC1 gene, results from a C to G substitution at nucleotide position 3035. The serine at codon 1012 is replaced by cysteine, an amino acid with dissimilar properties. This amino acid position is conserved. In addition, this alteration is predicted to be tolerated by in silico analysis. Based on the available evidence, the clinical significance of this variant remains unclear.

Labcorp Genetics (formerly Invitae), Labcorp
Classification: Uncertain significance for Tuberous sclerosis 1. Last evaluated: 2025-07-30. Review status: criteria provided, single submitter. Criteria: Invitae Variant Classification Sherloc (09022015). Collection method: clinical testing. Allele origin: germline.
Comment: This sequence change replaces serine, which is neutral and polar, with cysteine, which is neutral and slightly polar, at codon 1012 of the TSC1 protein (p.Ser1012Cys). This variant is not present in population databases (gnomAD no frequency). This variant has not been reported in the literature in individuals affected with TSC1-related conditions. ClinVar contains an entry for this variant (Variation ID: 2579930). Invitae Evidence Modeling of protein sequence and biophysical properties (such as structural, functional, and spatial information, amino acid conservation, physicochemical variation, residue mobility, and thermodynamic stability) indicates that this missense variant is not expected to disrupt TSC1 protein function with a negative predictive value of 95%. In summary, the available evidence is currently insufficient to determine the role of this variant in disease. Therefore, it has been classified as a Variant of Uncertain Significance.

GeneDx
Classification: Uncertain significance. Last evaluated: 2023-03-15. Review status: criteria provided, single submitter. Criteria: GeneDx Variant Classification Process June 2021. Collection method: clinical testing. Allele origin: germline. Affected: yes.
Comment: Not observed at significant frequency in large population cohorts (gnomAD); In silico analysis supports that this missense variant does not alter protein structure/function; Has not been previously published as pathogenic or benign to our knowledge